The following is an entry in ClinVar:

ClinVar aggregate classification (germline): Conflicting classifications of pathogenicity. Review status: criteria provided, conflicting classifications (1 of 4 stars). 5 submissions from 5 submitters: Uncertain significance (2); Likely benign (3). Last evaluated 2025-03-23.

Conditions:
Early-infantile DEE. Also called: Early infantile epileptic encephalopathy; Ohtahara syndrome; Early infantile epileptic encephalopathy with suppression bursts. Identifiers: Orphanet 1934, MedGen C0393706, MONDO:0800491.
Inborn genetic diseases. Identifiers: MedGen C0950123, MeSH D030342.
Developmental and epileptic encephalopathy, 5 (DEE5). Identifiers: Orphanet 3451, MedGen C3150731, MONDO:0013277, OMIM 613477.

Allele frequency attached by ClinVar (database versions not stated): TOPMed 0.00003; gnomAD 0.00004 and 0.00003; gnomAD exomes 0.00001 and 0.00002; ExAC 0.00002.
gnomAD v4.1: 15 of 1,613,618 alleles (0.00093%); highest among the groups gnomAD compares: East Asian, 0.0045%; no homozygotes.

Submissions (5):

Labcorp Genetics (formerly Invitae), Labcorp
Classification: Uncertain significance for Early-infantile DEE. Last evaluated: 2025-03-23. Review status: criteria provided, single submitter. Criteria: Invitae Variant Classification Sherloc (09022015). Collection method: clinical testing. Allele origin: germline.
Comment: This sequence change replaces asparagine, which is neutral and polar, with serine, which is neutral and polar, at codon 556 of the SPTAN1 protein (p.Asn556Ser). This variant is present in population databases (rs778489951, gnomAD 0.02%). This variant has not been reported in the literature in individuals affected with SPTAN1-related conditions. ClinVar contains an entry for this variant (Variation ID: 381358). Invitae Evidence Modeling of protein sequence and biophysical properties (such as structural, functional, and spatial information, amino acid conservation, physicochemical variation, residue mobility, and thermodynamic stability) has been performed for this missense variant. However, the output from this modeling did not meet the statistical confidence thresholds required to predict the impact of this variant on SPTAN1 protein function. In summary, the available evidence is currently insufficient to determine the role of this variant in disease. Therefore, it has been classified as a Variant of Uncertain Significance.

Ambry Genetics
Classification: Likely benign for Inborn genetic diseases. Last evaluated: 2023-06-30. Review status: criteria provided, single submitter. Criteria: Ambry Variant Classification Scheme 2023. Collection method: clinical testing. Allele origin: germline.

Genome-Nilou Lab
Classification: Likely benign for Developmental and epileptic encephalopathy, 5. Last evaluated: 2021-07-15. Review status: criteria provided, single submitter. Criteria: ACMG Guidelines, 2015. Collection method: clinical testing. Allele origin: germline. Affected: no.

CeGaT Center for Human Genetics Tuebingen
Classification: Uncertain significance. Last evaluated: 2017-09-01. Review status: criteria provided, single submitter. Criteria: CeGaT Center For Human Genetics Tuebingen Variant Classification Criteria Version 2. Collection method: clinical testing. Allele origin: germline. Affected: yes. Observed: 1 variant allele.

GeneDx
Classification: Likely benign. Last evaluated: 2017-03-03. Review status: criteria provided, single submitter. Criteria: GeneDx Variant Classification (06012015). Collection method: clinical testing. Allele origin: germline. Affected: yes.
Comment: This variant is considered likely benign or benign based on one or more of the following criteria: it is a conservative change, it occurs at a poorly conserved position in the protein, it is predicted to be benign by multiple in silico algorithms, and/or has population frequency not consistent with disease.

NM_001130438.3(SPTAN1):c.1667A>G (p.Asn556Ser)

Gene: SPTAN1 (spectrin alpha, non-erythrocytic 1; plus strand). Cytogenetic location: 9q34.11.
Variant type: single nucleotide variant.
Coding change: c.1667A>G on transcript NM_001130438.3 (MANE Select); coding-DNA position 1667, A replaced by G.
Protein change: p.Asn556Ser; replaces asparagine 556 with serine.
Molecular consequence: missense variant.
Genome position (GRCh38, 1-based): chr9:128,582,710, A>G. VCF-style: chr9-128582710-A-G. GRCh37 (hg19) VCF-style: chr9-131344989-A-G.
Other names: c.1667A>G, p.Asn556Ser (NM_001195532.2, NM_001363759.2, NM_001363765.2 and 1 more transcripts); short protein forms N556S.
Identifiers: ClinVar variation 381358 (VCV000381358.55), dbSNP rs778489951, ClinGen allele CA5264484.